The following is an entry in ClinVar:

NM_000313.4(PROS1):c.252del (p.Lys84fs)

Gene: PROS1 (protein S; minus strand). Cytogenetic location: 3q11.1.
Variant type: Deletion.
Coding change: c.252del on transcript NM_000313.4 (MANE Select); coding-DNA position 252, one base deleted (A; older notation c.252delA).
Protein change: p.Lys84fs; shifts the reading frame from lysine 84.
Molecular consequence: frameshift variant.
Genome position (GRCh38, 1-based): chr3:93,924,247, T deleted on the plus strand (A on the coding strand, the reverse complement: PROS1 is on the minus strand); the first of 4 consecutive T bases (chr3:93,924,247-93,924,250); deleting any one gives the same sequence. VCF-style (leftmost placement, unchanged base first): chr3-93924246-AT-A. GRCh37 (hg19) VCF-style: chr3-93643090-AT-A.
Other names: p.Lys84Asnfs*3; c.252delA (NM_000313.3); c.348del, p.Lys116fs (NM_001314077.2); short protein forms K116fs, K84fs.
Identifiers: ClinVar variation 570367 (VCV000570367.13), dbSNP rs1241365457, ClinGen allele CA891843134.

ClinVar aggregate classification (germline): Pathogenic. Review status: criteria provided, multiple submitters, no conflicts (2 of 4 stars). 3 submissions from 3 submitters: Pathogenic (3). Last evaluated 2025-08-18.

Conditions:
PROS1-related disorder. Also called: PROS1-related condition.
Thrombophilia due to protein S deficiency, autosomal recessive (THPH6). Identifiers: Orphanet 743, MedGen C3281092, MONDO:0013791, OMIM 614514. Disease mechanism: loss of function.

Submissions (3):

PreventionGenetics, part of Exact Sciences
Classification: Pathogenic for PROS1-related condition. Last evaluated: 2025-08-18. Review status: criteria provided, single submitter. Criteria: ACMG Guidelines, 2015. Collection method: clinical testing. Allele origin: germline.
Comment: The PROS1 c.252delA variant is predicted to result in a frameshift and premature protein termination (p.Lys84Asnfs*3). This variant was reported in the homozygous state in an individual with autosomal recessive protein S deficiency and in the heterozygous state in a related individual with decreased protein S levels without clinical presentation (Gomez et al. 1994. PubMed ID: 7974339). This variant has not been reported in a large population database (gnomAD), indicating this variant is rare. Frameshift variants in PROS1 are expected to be pathogenic. This variant is interpreted as pathogenic.

Mayo Clinic Laboratories, Mayo Clinic
Classification: Pathogenic. Last evaluated: 2025-06-27. Review status: criteria provided, single submitter. Criteria: ACMG Guidelines, 2015. Collection method: clinical testing. Allele origin: germline. Observed: 4 variant alleles.
Comment: PM2_supporting, PM3_supporting, PS4_moderate, PVS1

Labcorp Genetics (formerly Invitae), Labcorp
Classification: Pathogenic for Thrombophilia due to protein S deficiency, autosomal recessive. Last evaluated: 2025-05-27. Review status: criteria provided, single submitter. Criteria: Invitae Variant Classification Sherloc (09022015). Collection method: clinical testing. Allele origin: germline.
Comment: This sequence change creates a premature translational stop signal (p.Lys84Asnfs*3) in the PROS1 gene. It is expected to result in an absent or disrupted protein product. Loss-of-function variants in PROS1 are known to be pathogenic (PMID: 9241758). This variant is not present in population databases (gnomAD no frequency). This premature translational stop signal has been observed in individual(s) with protein S deficiency and purpura fulminans (PMID: 7974339). ClinVar contains an entry for this variant (Variation ID: 570367). For these reasons, this variant has been classified as Pathogenic.

Literature cited by the submitters: PubMed 11127877 (cited by Mayo Clinic Laboratories, Mayo Clinic); PubMed 7974339 (cited by Mayo Clinic Laboratories, Mayo Clinic and Labcorp Genetics (formerly Invitae), Labcorp); PubMed 9241758 (cited by Labcorp Genetics (formerly Invitae), Labcorp).